The following is an entry in ClinVar:

ClinVar aggregate classification (germline): Conflicting classifications of pathogenicity. Review status: criteria provided, conflicting classifications (1 of 4 stars). 12 submissions from 12 submitters: Uncertain significance (1); Benign (5); Likely benign (3). 3 of the submissions do not count toward it. Last evaluated 2026-06-01.

Conditions:
Nemaline myopathy 2 (NEM2). Also called: Nemaline myopathy 2, autosomal recessive. Identifiers: MedGen C1850569, MONDO:0009725, OMIM 256030.

Allele frequency attached by ClinVar (database versions not stated): 1000 Genomes Project 30x 0.00297; TOPMed 0.00304; ESP Exome Variant Server 0.00306; 1000 Genomes Project 0.00339; ExAC 0.00339; gnomAD exomes 0.00401 and 0.00430; gnomAD 0.00420 and 0.00430.
gnomAD v4.1: 6,868 of 1,613,752 alleles (0.43%); highest among the groups gnomAD compares: Admixed American, 0.49%; 31 homozygotes.

Submissions (12):

CeGaT Center for Human Genetics Tuebingen
Classification: Likely benign. Last evaluated: 2026-06-01. Review status: criteria provided, single submitter. Criteria: CeGaT Center For Human Genetics Tuebingen Variant Classification Criteria Version 2. Collection method: clinical testing. Allele origin: germline. Affected: yes. Observed: 11 variant alleles.
Comment: NEB: BP4, BP7, BS2

Labcorp Genetics (formerly Invitae), Labcorp
Classification: Benign for Nemaline myopathy 2. Last evaluated: 2026-02-02. Review status: criteria provided, single submitter. Criteria: Invitae Variant Classification Sherloc (09022015). Collection method: clinical testing. Allele origin: germline.

Blueprint Genetics
Classification: Likely benign. Last evaluated: 2024-11-23. Review status: criteria provided, single submitter. Criteria: ACMG Guidelines, 2015. Collection method: clinical testing. Allele origin: germline.

Mayo Clinic Laboratories, Mayo Clinic
Classification: Benign. Last evaluated: 2019-10-16. Review status: criteria provided, single submitter. Criteria: ACMG Guidelines, 2015. Collection method: clinical testing. Allele origin: germline. Observed: 6 variant alleles.

GeneDx
Classification: Benign. Last evaluated: 2018-06-05. Review status: criteria provided, single submitter. Criteria: GeneDx Variant Classification Process June 2021. Collection method: clinical testing. Allele origin: germline. Affected: yes.
Comment: This variant is associated with the following publications: (PMID: 27641504)

Illumina Laboratory Services, Illumina
Classification: Uncertain significance for Nemaline myopathy 2. Last evaluated: 2018-01-13. Review status: criteria provided, single submitter. Criteria: ICSL Variant Classification Criteria 13 December 2019. Collection method: clinical testing. Allele origin: germline.

Athena Diagnostics
Classification: Benign. Last evaluated: 2017-10-09. Review status: criteria provided, single submitter. Criteria: Athena Diagnostics Criteria. Collection method: clinical testing. Allele origin: germline.

Eurofins Ntd Llc (ga)
Classification: Benign. Last evaluated: 2013-10-03. Review status: criteria provided, single submitter. Criteria: EGL Classification Definitions 2015. Collection method: clinical testing. Allele origin: germline. Observed: 1 variant allele, 1 heterozygote.

PreventionGenetics, part of Exact Sciences
Classification: Likely benign. Review status: criteria provided, single submitter. Criteria: ACMG Guidelines, 2015. Collection method: clinical testing. Allele origin: germline.

Natera, Inc.
Classification: Likely benign for Nemaline myopathy type 2. Last evaluated: 2019-11-11. Review status: no assertion criteria provided. Collection method: clinical testing. Allele origin: germline. Not counted in ClinVar's aggregate classification.

Genome Diagnostics Laboratory, University Medical Center Utrecht
Classification: Benign. Review status: no assertion criteria provided. Collection method: clinical testing. Allele origin: germline. Affected: yes. Study: VKGL Data-share Consensus. Not counted in ClinVar's aggregate classification.

Laboratory of Diagnostic Genome Analysis, Leiden University Medical Center (LUMC)
Classification: Likely benign. Review status: no assertion criteria provided. Collection method: clinical testing. Allele origin: germline. Affected: yes. Study: VKGL Data-share Consensus. Not counted in ClinVar's aggregate classification.

NM_001164508.2(NEB):c.19455G>A (p.Lys6485=)

Genes: NEB (nebulin; minus strand), LOC126806373 (BRD4-independent group 4 enhancer GRCh37_chr2:152410007-152411206; plus strand). Cytogenetic location: 2q23.3.
Variant type: single nucleotide variant.
Coding change: c.19455G>A on transcript NM_001164508.2 (MANE Select); coding-DNA position 19455, G replaced by A.
Protein change: p.Lys6485=; no amino-acid change (lysine 6485 retained).
Molecular consequence: synonymous variant.
Genome position (GRCh38, 1-based): chr2:151,553,999, C>T on the plus strand (G>A on the coding strand, the complement: NEB is on the minus strand). VCF-style: chr2-151553999-C-T. GRCh37 (hg19) VCF-style: chr2-152410513-C-T.
Other names: p.Lys6485=; c.19455G>A, p.Lys6485= (NM_001164507.2, NM_001271208.2); c.14352G>A, p.Lys4784= (NM_004543.5).
Identifiers: ClinVar variation 95110 (VCV000095110.70), dbSNP rs182847302, ClinGen allele CA148199.